The following is an entry in ClinVar:

ClinVar aggregate classification (germline): Uncertain significance. Review status: criteria provided, multiple submitters, no conflicts (2 of 4 stars). 2 submissions from 2 submitters: Uncertain significance (2). Last evaluated 2026-09-01.

Conditions:
Inborn genetic diseases. Identifiers: MedGen C0950123, MeSH D030342.

gnomAD v4.1: 1 of 1,613,500 alleles (0.000062%); highest among the groups gnomAD compares: Non-Finnish European, 0.000085%; no homozygotes.

Submissions (2):

Ambry Genetics
Classification: Uncertain significance for Inborn genetic diseases. Last evaluated: 2026-09-01. Review status: criteria provided, single submitter. Criteria: Ambry Variant Classification Scheme 2023. Collection method: clinical testing. Allele origin: germline.

Labcorp Genetics (formerly Invitae), Labcorp
Classification: Uncertain significance. Last evaluated: 2025-07-16. Review status: criteria provided, single submitter. Criteria: Invitae Variant Classification Sherloc (09022015). Collection method: clinical testing. Allele origin: germline.
Comment: This sequence change replaces glycine, which is neutral and non-polar, with arginine, which is basic and polar, at codon 688 of the COL9A2 protein (p.Gly688Arg). This variant is not present in population databases (gnomAD no frequency). This variant has not been reported in the literature in individuals affected with COL9A2-related conditions. An algorithm developed to predict the effect of missense changes on protein structure and function (PolyPhen-2) suggests that this variant is likely to be disruptive. In summary, the available evidence is currently insufficient to determine the role of this variant in disease. Therefore, it has been classified as a Variant of Uncertain Significance.

NM_001852.4(COL9A2):c.2062G>C (p.Gly688Arg)

Gene: COL9A2 (collagen type IX alpha 2 chain; minus strand). Cytogenetic location: 1p34.2.
Variant type: single nucleotide variant.
Coding change: c.2062G>C on transcript NM_001852.4 (MANE Select); coding-DNA position 2062, G replaced by C.
Protein change: p.Gly688Arg; replaces glycine 688 with arginine.
Molecular consequence: missense variant.
Genome position (GRCh38, 1-based): chr1:40,301,190, C>G on the plus strand (G>C on the coding strand, the complement: COL9A2 is on the minus strand). VCF-style: chr1-40301190-C-G. GRCh37 (hg19) VCF-style: chr1-40766862-C-G.
Other names: c.2062G>C (NM_001852.3); short protein forms G688R.
Identifiers: ClinVar variation 4723409 (VCV004723409.2).
Genomic context (GRCh38, chr1:40,301,190, plus strand): 5'-GACCTGGTCCTTCCCGCCAGGATGCCTGCCAGGCTCTGTCTGGGCCTGATGCTCAAGGCC[C>G]CTTGATGGATCCAGGCTCTGTAAGGCGGGCAGAGGCATAGGCCGAAGCTCCAAGGCAGGC-3'
Protein context (NP_001843.1, residues 678-689): ARLTEPGSIK[Gly688Arg]P